The following is an entry in ClinVar:

NM_144670.6(A2ML1):c.3819G>C (p.Gln1273His)

Gene: A2ML1 (alpha-2-macroglobulin like 1; plus strand). Cytogenetic location: 12p13.31.
Variant type: single nucleotide variant.
Coding change: c.3819G>C on transcript NM_144670.6 (MANE Select); coding-DNA position 3819, G replaced by C.
Protein change: p.Gln1273His; replaces glutamine 1273 with histidine.
Molecular consequence: missense variant.
Genome position (GRCh38, 1-based): chr12:8,867,943, G>C. VCF-style: chr12-8867943-G-C. GRCh37 (hg19) VCF-style: chr12-9020539-G-C.
Other names: c.2346G>C, p.Gln782His (NM_001282424.3); short protein forms Q1273H, Q782H.
Identifiers: ClinVar variation 653469 (VCV000653469.10), dbSNP rs201147872, ClinGen allele CA6436485.

ClinVar aggregate classification (germline): Uncertain significance. Review status: criteria provided, multiple submitters, no conflicts (2 of 4 stars). 2 submissions from 2 submitters: Uncertain significance (2). Last evaluated 2025-11-21.

Allele frequency attached by ClinVar (database versions not stated): TOPMed 0.00004; gnomAD 0.00006; ESP Exome Variant Server 0.00008; gnomAD exomes 0.00009; ExAC 0.00012.
gnomAD v4.1: 165 of 1,614,100 alleles (0.01%); highest among the groups gnomAD compares: Non-Finnish European, 0.011%; no homozygotes.

Submissions (2):

Labcorp Genetics (formerly Invitae), Labcorp
Classification: Uncertain significance. Last evaluated: 2025-11-21. Review status: criteria provided, single submitter. Criteria: Invitae Variant Classification Sherloc (09022015). Collection method: clinical testing. Allele origin: germline.
Comment: This sequence change replaces glutamine, which is neutral and polar, with histidine, which is basic and polar, at codon 1273 of the A2ML1 protein (p.Gln1273His). This variant is present in population databases (rs201147872, gnomAD 0.03%). This variant has not been reported in the literature in individuals affected with A2ML1-related conditions. ClinVar contains an entry for this variant (Variation ID: 653469). An algorithm developed to predict the effect of missense changes on protein structure and function outputs the following: PolyPhen-2: "Benign". The histidine amino acid residue is found in multiple mammalian species, which suggests that this missense change does not adversely affect protein function. In summary, the available evidence is currently insufficient to determine the role of this variant in disease. Therefore, it has been classified as a Variant of Uncertain Significance.

Ambry Genetics
Classification: Uncertain significance. Last evaluated: 2024-01-23. Review status: criteria provided, single submitter. Criteria: Ambry Variant Classification Scheme 2023. Collection method: clinical testing. Allele origin: germline.
Comment: The p.Q1273H variant (also known as c.3819G>C), located in coding exon 30 of the A2ML1 gene, results from a G to C substitution at nucleotide position 3819. The glutamine at codon 1273 is replaced by histidine, an amino acid with highly similar properties. This amino acid position is conserved. In addition, this alteration is predicted to be tolerated by in silico analysis. Since supporting evidence is limited at this time, the clinical significance of this alteration remains unclear.